The following is an entry in ClinVar:

NM_000088.4(COL1A1):c.1920dup (p.Gly641fs)

Gene: COL1A1 (collagen type I alpha 1 chain; minus strand). Cytogenetic location: 17q21.33.
Variant type: Duplication.
Coding change: c.1920dup on transcript NM_000088.4 (MANE Select); coding-DNA position 1920, one base duplicated (C; older notation c.1920dupC).
Protein change: p.Gly641fs; shifts the reading frame from glycine 641.
Molecular consequence: frameshift variant.
Genome position (GRCh38, 1-based): chr17:50,192,649, G duplicated on the plus strand (C on the coding strand, the reverse complement: COL1A1 is on the minus strand); the first of 5 consecutive G bases (chr17:50,192,649-50,192,653); duplicating any one gives the same sequence. VCF-style (leftmost placement, unchanged base first): chr17-50192648-C-CG. GRCh37 (hg19) VCF-style: chr17-48270009-C-CG.
Other names: short protein forms G641fs.
Identifiers: ClinVar variation 4710408 (VCV004710408.1).

ClinVar aggregate classification (germline): Pathogenic (1 of 4 stars; one submission).

Conditions:
Osteogenesis imperfecta type I (OI1). Also called: OI, TYPE I; OSTEOGENESIS IMPERFECTA TARDA; OSTEOGENESIS IMPERFECTA WITH BLUE SCLERAE; Osteogenesis imperfecta type 1; Classic Non-deforming Osteogenesis Imperfecta with Blue Sclerae; Lobstein's Disease. Identifiers: Orphanet 216796, Orphanet 666, MedGen C0023931, MONDO:0008146, OMIM 166200. Disease mechanism: loss of function.

Submission:

Labcorp Genetics (formerly Invitae), Labcorp
Classification: Pathogenic for Osteogenesis imperfecta type I. Last evaluated: 2025-11-17. Review status: criteria provided, single submitter. Criteria: Invitae Variant Classification Sherloc (09022015). Collection method: clinical testing. Allele origin: germline.
Comment: This sequence change creates a premature translational stop signal (p.Gly641Argfs*14) in the COL1A1 gene. It is expected to result in an absent or disrupted protein product. Loss-of-function variants in COL1A1 are known to be pathogenic (PMID: 7942841, 9295084, 9443882). This variant is not present in population databases (gnomAD no frequency). This premature translational stop signal has been observed in individual(s) with osteogenesis imperfecta (PMID: 16879195, 30886339). This variant is also known as c1919_20insC. For these reasons, this variant has been classified as Pathogenic.

Literature cited by the submitters: PubMed 7942841; PubMed 9295084; PubMed 9443882; PubMed 16879195; PubMed 30886339.